The following is an entry in ClinVar:

NM_032043.3(BRIP1):c.656G>A (p.Cys219Tyr)

Gene: BRIP1 (BRCA1 interacting DNA helicase 1; minus strand). Cytogenetic location: 17q23.2.
Variant type: single nucleotide variant.
Coding change: c.656G>A on transcript NM_032043.3 (MANE Select); coding-DNA position 656, G replaced by A.
Protein change: p.Cys219Tyr; replaces cysteine 219 with tyrosine.
Molecular consequence: missense variant.
Genome position (GRCh38, 1-based): chr17:61,808,729, C>T on the plus strand (G>A on the coding strand, the complement: BRIP1 is on the minus strand). VCF-style: chr17-61808729-C-T. GRCh37 (hg19) VCF-style: chr17-59886090-C-T.
Other names: short protein forms C219Y.
Identifiers: ClinVar variation 142106 (VCV000142106.12), dbSNP rs587782238, ClinGen allele CA167421.

ClinVar aggregate classification (germline): Uncertain significance. Review status: criteria provided, multiple submitters, no conflicts (2 of 4 stars). 3 submissions from 3 submitters: Uncertain significance (3). Last evaluated 2025-12-08.

Conditions:
Hereditary cancer-predisposing syndrome. Also called: Neoplastic Syndromes, Hereditary; Hereditary Cancer Syndrome; Hereditary neoplastic syndrome; Tumor predisposition. Identifiers: Orphanet 140162, MedGen C0027672, MeSH D009386, MONDO:0015356.
Familial cancer of breast. Also called: Hereditary breast cancer; hereditary breast carcinoma; BREAST CANCER, FAMILIAL. Identifiers: Orphanet 227535, MedGen C0346153, MONDO:0016419, OMIM 114480. Disease mechanism: loss of function.
Fanconi anemia complementation group J. Also called: BRIP1-Related Fanconi Anemia. Identifiers: Orphanet 84, MedGen C1836860, MONDO:0012187, OMIM 609054.

Allele frequency attached by ClinVar (database versions not stated): gnomAD exomes below 0.00001; TOPMed below 0.00001.
gnomAD v4.1: 1 of 1,613,502 alleles (0.000062%); highest among the groups gnomAD compares: African/African-American, 0.0013%; no homozygotes.

Submissions (3):

Color Diagnostics, LLC DBA Color Health
Classification: Uncertain significance for Hereditary cancer-predisposing syndrome. Last evaluated: 2025-12-08. Review status: criteria provided, single submitter. Criteria: ACMG Guidelines, 2015. Collection method: clinical testing. Allele origin: germline.
Comment: This missense variant replaces cysteine with tyrosine at codon 219 of the BRIP1 protein. Computational prediction is inconclusive regarding the impact of this variant on protein structure and function. To our knowledge, functional studies have not been reported for this variant. This variant has not been reported in individuals affected with BRIP1-related disorders in the literature. This variant has been identified in 1/1613502 chromosomes in the general population by the Genome Aggregation Database (gnomAD). The available evidence is insufficient to determine the role of this variant in disease conclusively. Therefore, this variant is classified as a Variant of Uncertain Significance.

Labcorp Genetics (formerly Invitae), Labcorp
Classification: Uncertain significance for Familial cancer of breast; Fanconi anemia complementation group J. Last evaluated: 2025-09-09. Review status: criteria provided, single submitter. Criteria: Invitae Variant Classification Sherloc (09022015). Collection method: clinical testing. Allele origin: germline.
Comment: This sequence change replaces cysteine, which is neutral and slightly polar, with tyrosine, which is neutral and polar, at codon 219 of the BRIP1 protein (p.Cys219Tyr). This variant is not present in population databases (gnomAD no frequency). This variant has not been reported in the literature in individuals affected with BRIP1-related conditions. ClinVar contains an entry for this variant (Variation ID: 142106). Invitae Evidence Modeling of protein sequence and biophysical properties (such as structural, functional, and spatial information, amino acid conservation, physicochemical variation, residue mobility, and thermodynamic stability) has been performed for this missense variant. However, the output from this modeling did not meet the statistical confidence thresholds required to predict the impact of this variant on BRIP1 protein function. In summary, the available evidence is currently insufficient to determine the role of this variant in disease. Therefore, it has been classified as a Variant of Uncertain Significance.

Ambry Genetics
Classification: Uncertain significance for Hereditary cancer-predisposing syndrome. Last evaluated: 2013-12-19. Review status: criteria provided, single submitter. Criteria: Ambry Autosomal Dominant and X-Linked criteria (10/2015). Collection method: clinical testing. Allele origin: germline. Observed: 1 variant allele.
Comment: Ã¢â‚¬â€¹The p.C219Y variant (also known as c.656G>A) is located in coding exon 6 of the BRIP1 gene. This alteration results from a G to A substitution at nucleotide position 656. The cysteine at codon 219 is replaced by tyrosine, an amino acid with some highly dissimilar properties. This variant was not reported in population-based cohorts in the following databases: Database of Single Nucleotide Polymorphisms (dbSNP), NHLBI Exome Sequencing Project (ESP) and 1000 Genomes Project. To date, this alteration has been detected with an allele frequency of approximately 0.01% (greater than 9,500 alleles tested) in our clinical cohort (includes this individual). Based on protein sequence alignment, this amino acid position is highly conserved in available vertebrate species. In addition, this alteration is predicted to be probably damaging yet tolerated by PolyPhen and SIFT in silico analyses, respectively. Since supporting evidence is limited at this time, the clinical significance of p.C219Y remains unclear.